The following is an entry in ClinVar:

ClinVar aggregate classification (germline): Benign/Likely benign. Review status: criteria provided, multiple submitters, no conflicts (2 of 4 stars). 4 submissions from 4 submitters: Benign (3); Likely benign (1). Last evaluated 2026-01-28.

Conditions:
Fanconi anemia (FA). Also called: Fanconi's anemia. Identifiers: Orphanet 84, MedGen C0015625, MeSH D005199, MONDO:0019391.
Fanconi anemia complementation group L (FANCL). Also called: FANCL-Related Fanconi Anemia. Identifiers: Orphanet 84, MedGen C3469528, MONDO:0013566, OMIM 614083.

Submissions (4):

Labcorp Genetics (formerly Invitae), Labcorp
Classification: Benign for Fanconi anemia. Last evaluated: 2026-01-28. Review status: criteria provided, single submitter. Criteria: Invitae Variant Classification Sherloc (09022015). Collection method: clinical testing. Allele origin: germline.

ARUP Laboratories, Molecular Genetics and Genomics, ARUP Laboratories
Classification: Benign for Fanconi anemia complementation group L. Last evaluated: 2025-02-12. Review status: criteria provided, single submitter. Criteria: ARUP Molecular Germline Variant Investigation Process 2024. Collection method: clinical testing. Allele origin: germline.

Blueprint Genetics
Classification: Likely benign. Last evaluated: 2024-11-14. Review status: criteria provided, single submitter. Criteria: ACMG Guidelines, 2015. Collection method: clinical testing. Allele origin: germline.

Women's Health and Genetics/Laboratory Corporation of America, LabCorp
Classification: Benign. Last evaluated: 2022-02-22. Review status: criteria provided, single submitter. Criteria: LabCorp Variant Classification Summary - May 2015. Collection method: clinical testing. Allele origin: germline.
Comment: Variant summary: FANCL c.822-15dupT alters a nucleotide located close to a canonical splice site and therefore could affect mRNA splicing, leading to a significantly altered protein sequence. 4/4 computational tools predict no significant impact on normal splicing. However, these predictions have yet to be confirmed by functional studies. The variant allele was found at a frequency of 0.0011 in 250876 control chromosomes. The observed variant frequency is approximately 4 fold of the estimated maximal estimated allele frequency for a pathogenic variant in FANCL causing Fanconi Anemia phenotype (0.00028), strongly suggesting that the variant is benign. To our knowledge, no occurrence of c.822-15dupT in individuals affected with Fanconi Anemia and no experimental evidence demonstrating its impact on protein function have been reported. One clinical diagnostic laboratory has submitted clinical-significance assessments for this variant as c.822-21dup to ClinVar after 2014 without evidence for independent evaluation and classified the variant as benign. Based on the evidence outlined above, the variant was classified as benign.

NM_018062.4(FANCL):c.822-15dup

Gene: FANCL (FA complementation group L; minus strand). Cytogenetic location: 2p16.1.
Variant type: Duplication.
Coding change: c.822-15dup on transcript NM_018062.4 (MANE Select); 15 bases into the intron before coding-DNA position 822, one base duplicated (T; older notation c.822-15dupT).
Molecular consequence: intron variant.
Genome position (GRCh38, 1-based): chr2:58,162,962, A duplicated on the plus strand (T on the coding strand, the reverse complement: FANCL is on the minus strand); the first of 7 consecutive A bases (chr2:58,162,962-58,162,968); duplicating any one gives the same sequence. VCF-style (leftmost placement, unchanged base first): chr2-58162961-G-GA. GRCh37 (hg19) VCF-style: chr2-58390096-G-GA.
Other names: c.867-15dup (NM_001374615.1); c.837-15dup (NM_001114636.2); c.882-15dup (NM_001410792.1).
Identifiers: ClinVar variation 1167912 (VCV001167912.12), dbSNP rs570217357, ClinGen allele CA1670423.